The following is an entry in ClinVar:

NM_015425.6(POLR1A):c.3328C>A (p.Arg1110Ser)

Gene: POLR1A (RNA polymerase I subunit A; minus strand). Cytogenetic location: 2p11.2.
Variant type: single nucleotide variant.
Coding change: c.3328C>A on transcript NM_015425.6 (MANE Select); coding-DNA position 3328, C replaced by A.
Protein change: p.Arg1110Ser; replaces arginine 1110 with serine.
Molecular consequence: missense variant.
Genome position (GRCh38, 1-based): chr2:86,043,003, G>T on the plus strand (C>A on the coding strand, the complement: POLR1A is on the minus strand). VCF-style: chr2-86043003-G-T. GRCh37 (hg19) VCF-style: chr2-86270126-G-T.
Other names: short protein forms R1110S.
Identifiers: ClinVar variation 2044409 (VCV002044409.4), dbSNP rs992470587, ClinGen allele CA347537613.

ClinVar aggregate classification (germline): Uncertain significance (1 of 4 stars; one submission).

gnomAD v4.1: 2 of 1,613,810 alleles (0.00012%); highest among the groups gnomAD compares: South Asian, 0.0022%; no homozygotes.

Submission:

Labcorp Genetics (formerly Invitae), Labcorp
Classification: Uncertain significance. Last evaluated: 2023-07-07. Review status: criteria provided, single submitter. Criteria: Invitae Variant Classification Sherloc (09022015). Collection method: clinical testing. Allele origin: germline.
Comment: In summary, the available evidence is currently insufficient to determine the role of this variant in disease. Therefore, it has been classified as a Variant of Uncertain Significance. Advanced modeling of protein sequence and biophysical properties (such as structural, functional, and spatial information, amino acid conservation, physicochemical variation, residue mobility, and thermodynamic stability) performed at Invitae indicates that this missense variant is not expected to disrupt POLR1A protein function. ClinVar contains an entry for this variant (Variation ID: 2044409). This variant has not been reported in the literature in individuals affected with POLR1A-related conditions. This variant is not present in population databases (gnomAD no frequency). This sequence change replaces arginine, which is basic and polar, with serine, which is neutral and polar, at codon 1110 of the POLR1A protein (p.Arg1110Ser).